The following is an entry in ClinVar:

ClinVar aggregate classification (germline): Uncertain significance. Review status: criteria provided, multiple submitters, no conflicts (2 of 4 stars). 2 submissions from 2 submitters: Uncertain significance (2). Last evaluated 2025-06-04.

Conditions:
Inborn genetic diseases. Identifiers: MedGen C0950123, MeSH D030342.

Submissions (2):

Labcorp Genetics (formerly Invitae), Labcorp
Classification: Uncertain significance. Last evaluated: 2025-06-04. Review status: criteria provided, single submitter. Criteria: Invitae Variant Classification Sherloc (09022015). Collection method: clinical testing. Allele origin: germline.
Comment: This sequence change replaces glutamine, which is neutral and polar, with arginine, which is basic and polar, at codon 41 of the RPS29 protein (p.Gln41Arg). This variant is not present in population databases (gnomAD no frequency). This variant has not been reported in the literature in individuals affected with RPS29-related conditions. ClinVar contains an entry for this variant (Variation ID: 3156188). An algorithm developed to predict the effect of missense changes on protein structure and function (PolyPhen-2) suggests that this variant is likely to be tolerated. In summary, the available evidence is currently insufficient to determine the role of this variant in disease. Therefore, it has been classified as a Variant of Uncertain Significance.

Ambry Genetics
Classification: Uncertain significance for Inborn genetic diseases. Last evaluated: 2023-12-11. Review status: criteria provided, single submitter. Criteria: Ambry Variant Classification Scheme 2023. Collection method: clinical testing. Allele origin: germline.

NM_001032.5(RPS29):c.122A>G (p.Gln41Arg)

Gene: RPS29 (ribosomal protein S29; minus strand). Cytogenetic location: 14q21.3.
Variant type: single nucleotide variant.
Coding change: c.122A>G on transcript NM_001032.5 (MANE Select); coding-DNA position 122, A replaced by G.
Protein change: p.Gln41Arg; replaces glutamine 41 with arginine.
Molecular consequence: missense variant.
Genome position (GRCh38, 1-based): chr14:49,585,990, T>C on the plus strand (A>G on the coding strand, the complement: RPS29 is on the minus strand). VCF-style: chr14-49585990-T-C. GRCh37 (hg19) VCF-style: chr14-50052708-T-C.
Other names: c.122A>G, p.Gln41Arg (NM_001030001.4); c.113A>G, p.Gln38Arg (NM_001351375.2); short protein forms Q38R, Q41R.
Identifiers: ClinVar variation 3156188 (VCV003156188.3), dbSNP rs2502668808, ClinGen allele CA389755428.